The following is an entry in ClinVar:

NM_001754.5(RUNX1):c.112C>G (p.Arg38Gly)

Gene: RUNX1 (RUNX family transcription factor 1; minus strand). Cytogenetic location: 21q22.12.
Variant type: single nucleotide variant.
Coding change: c.112C>G on transcript NM_001754.5 (MANE Select); coding-DNA position 112, C replaced by G.
Protein change: p.Arg38Gly; replaces arginine 38 with glycine.
Molecular consequence: missense variant.
Genome position (GRCh38, 1-based): chr21:34,887,082, G>C on the plus strand (C>G on the coding strand, the complement: RUNX1 is on the minus strand). VCF-style: chr21-34887082-G-C. GRCh37 (hg19) VCF-style: chr21-36259379-G-C.
Other names: c.31C>G, p.Arg11Gly (NM_001001890.3, NM_001122607.2); short protein forms R11G, R38G.
Identifiers: ClinVar variation 4825289 (VCV004825289.1).

ClinVar aggregate classification (germline): Uncertain significance (1 of 4 stars; one submission).

Conditions:
Inborn genetic diseases. Identifiers: MedGen C0950123, MeSH D030342.

gnomAD v4.1: 1 of 1,598,376 alleles (0.000063%); highest among the groups gnomAD compares: Non-Finnish European, 0.000085%; no homozygotes.

Submission:

Ambry Genetics
Classification: Uncertain significance for Inborn genetic diseases. Last evaluated: 2026-02-20. Review status: criteria provided, single submitter. Criteria: Ambry Variant Classification Scheme 2023. Collection method: clinical testing. Allele origin: germline.
Comment: The p.R38G variant (also known as c.112C>G), located in coding exon 3 of the RUNX1 gene, results from a C to G substitution at nucleotide position 112. The arginine at codon 38 is replaced by glycine, an amino acid with dissimilar properties. This amino acid position is highly conserved in available vertebrate species. In addition, this alteration is predicted to be deleterious by in silico analysis. Based on the available evidence, the clinical significance of this variant remains unclear.